The following is an entry in ClinVar:

ClinVar aggregate classification (germline): Uncertain significance. Review status: criteria provided, multiple submitters, no conflicts (2 of 4 stars). 3 submissions from 3 submitters: Uncertain significance (3). Last evaluated 2023-10-01.

Conditions:
Oculofaciocardiodental syndrome (MCOPS2). Identifiers: Orphanet 2712, MedGen C1846265, MONDO:0010261, OMIM 300166.
Microphthalmia, syndromic 1 (MCOPS1). Also called: ANOP1. Identifiers: Orphanet 568, Orphanet 85275, MedGen C0796016, MONDO:0010671, OMIM 309800.

Allele frequency attached by ClinVar (database versions not stated): gnomAD exomes 0.00001.

Submissions (3):

CeGaT Center for Human Genetics Tuebingen
Classification: Uncertain significance. Last evaluated: 2023-10-01. Review status: criteria provided, single submitter. Criteria: CeGaT Center For Human Genetics Tuebingen Variant Classification Criteria Version 2. Collection method: clinical testing. Allele origin: germline. Affected: yes. Observed: 1 variant allele.
Comment: BCOR: PM2:Supporting, BP4

Fulgent Genetics
Classification: Uncertain significance for Oculofaciocardiodental syndrome; Microphthalmia, syndromic 1. Last evaluated: 2018-10-31. Review status: criteria provided, single submitter. Criteria: ACMG Guidelines, 2015. Collection method: clinical testing. Allele origin: unknown.

Eurofins Ntd Llc (ga)
Classification: Uncertain significance. Last evaluated: 2013-01-04. Review status: criteria provided, single submitter. Criteria: EGL Classification Definitions 2015. Collection method: clinical testing. Allele origin: germline. Observed: 2 variant alleles.

NM_001123385.2(BCOR):c.2125G>A (p.Gly709Ser)

Gene: BCOR (BCL6 corepressor; minus strand). Cytogenetic location: Xp11.4.
Variant type: single nucleotide variant.
Coding change: c.2125G>A on transcript NM_001123385.2 (MANE Select); coding-DNA position 2125, G replaced by A.
Protein change: p.Gly709Ser; replaces glycine 709 with serine.
Molecular consequence: missense variant.
Genome position (GRCh38, 1-based): chrX:40,073,221, C>T on the plus strand (G>A on the coding strand, the complement: BCOR is on the minus strand). VCF-style: chrX-40073221-C-T. GRCh37 (hg19) VCF-style: chrX-39932474-C-T.
Other names: c.2125G>A, p.Gly709Ser (NM_001123383.2, NM_001123384.2, NM_017745.6); short protein forms G709S.
Identifiers: ClinVar variation 95768 (VCV000095768.29), dbSNP rs398124312, ClinGen allele CA223265.